The following is an entry in ClinVar:

ClinVar aggregate classification (germline): Uncertain significance (1 of 4 stars; one submission).

Allele frequency attached by ClinVar (database versions not stated): gnomAD exomes below 0.00001.
gnomAD v4.1: 1 of 1,384,598 alleles (0.000072%); highest among the groups gnomAD compares: Non-Finnish European, 0.000093%; no homozygotes.

Submission:

Labcorp Genetics (formerly Invitae), Labcorp
Classification: Uncertain significance. Last evaluated: 2021-05-20. Review status: criteria provided, single submitter. Criteria: Invitae Variant Classification Sherloc (09022015). Collection method: clinical testing. Allele origin: germline.
Comment: In summary, the available evidence is currently insufficient to determine the role of this variant in disease. Therefore, it has been classified as a Variant of Uncertain Significance. Algorithms developed to predict the effect of sequence changes on RNA splicing suggest that this variant may create or strengthen a splice site, but this prediction has not been confirmed by published transcriptional studies. This variant has not been reported in the literature in individuals with RELB-related conditions. This variant is not present in population databases (ExAC no frequency). This sequence change falls in intron 4 of the RELB gene. It does not directly change the encoded amino acid sequence of the RELB protein.

NM_006509.4(RELB):c.504+11C>T

Gene: RELB (RELB proto-oncogene, NF-kB subunit; plus strand). Cytogenetic location: 19q13.32.
Variant type: single nucleotide variant.
Coding change: c.504+11C>T on transcript NM_006509.4 (MANE Select); 11 bases into the intron after coding-DNA position 504, C replaced by T.
Molecular consequence: intron variant.
Genome position (GRCh38, 1-based): chr19:45,012,287, C>T. VCF-style: chr19-45012287-C-T. GRCh37 (hg19) VCF-style: chr19-45515545-C-T.
Identifiers: ClinVar variation 1355489 (VCV001355489.8), dbSNP rs2122415505, ClinGen allele CA2573156428.